The following is an entry in ClinVar:

NM_001129.5(AEBP1):c.461A>G (p.Lys154Arg)

Gene: AEBP1 (AE binding protein 1; plus strand). Cytogenetic location: 7p13.
Variant type: single nucleotide variant.
Coding change: c.461A>G on transcript NM_001129.5 (MANE Select); coding-DNA position 461, A replaced by G.
Protein change: p.Lys154Arg; replaces lysine 154 with arginine.
Molecular consequence: missense variant.
Genome position (GRCh38, 1-based): chr7:44,106,753, A>G. VCF-style: chr7-44106753-A-G. GRCh37 (hg19) VCF-style: chr7-44146352-A-G.
Other names: short protein forms K154R.
Identifiers: ClinVar variation 1490101 (VCV001490101.6), dbSNP rs1269746679, ClinGen allele CA367358216.

ClinVar aggregate classification (germline): Uncertain significance (1 of 4 stars; one submission).

Allele frequency attached by ClinVar (database versions not stated): gnomAD exomes below 0.00001.
gnomAD v4.1: 1 of 1,609,132 alleles (0.000062%); highest among the groups gnomAD compares: Non-Finnish European, 0.000085%; no homozygotes.

Submission:

Labcorp Genetics (formerly Invitae), Labcorp
Classification: Uncertain significance. Last evaluated: 2021-08-31. Review status: criteria provided, single submitter. Criteria: Invitae Variant Classification Sherloc (09022015). Collection method: clinical testing. Allele origin: germline.
Comment: In summary, the available evidence is currently insufficient to determine the role of this variant in disease. Therefore, it has been classified as a Variant of Uncertain Significance. Algorithms developed to predict the effect of missense changes on protein structure and function are either unavailable or do not agree on the potential impact of this missense change (SIFT: "Deleterious"; PolyPhen-2: "Not Available"; Align-GVGD: "Class C0"). This variant has not been reported in the literature in individuals affected with AEBP1-related conditions. This variant is not present in population databases (ExAC no frequency). This sequence change replaces lysine with arginine at codon 154 of the AEBP1 protein (p.Lys154Arg). The lysine residue is moderately conserved and there is a small physicochemical difference between lysine and arginine.